The following is an entry in ClinVar:

NM_003001.5(SDHC):c.241+1G>T

Gene: SDHC (succinate dehydrogenase complex subunit C; plus strand). Cytogenetic location: 1q23.3.
Variant type: single nucleotide variant.
Coding change: c.241+1G>T on transcript NM_003001.5 (MANE Select); the canonical splice donor site of the intron after coding-DNA position 241, G replaced by T.
Molecular consequence: splice donor variant. On other transcripts: intron variant (2).
Genome position (GRCh38, 1-based): chr1:161,340,656, G>T. VCF-style: chr1-161340656-G-T. GRCh37 (hg19) VCF-style: chr1-161310446-G-T.
Other names: c.130+1G>T (NM_001407119.1, NM_001407120.1); c.361+1G>T (NM_001407115.1); c.241+1G>T (NM_001035511.3); c.139+1G>T (NM_001035512.3, NM_001278172.3); c.133+7G>T (NM_001407118.1); c.184+1G>T (NM_001407116.1, NM_001407121.1); c.178+7G>T (NM_001407117.1); c.82+1G>T (NM_001035513.3).
Identifiers: ClinVar variation 1790882 (VCV001790882.2), dbSNP rs748440817, ClinGen allele CA046655.

ClinVar aggregate classification (germline): Likely pathogenic (1 of 4 stars; one submission).

Conditions:
Hereditary cancer-predisposing syndrome. Also called: Hereditary Cancer Syndrome; Hereditary neoplastic syndrome; Tumor predisposition; Neoplastic Syndromes, Hereditary. Identifiers: Orphanet 140162, MedGen C0027672, MeSH D009386, MONDO:0015356.

Allele frequency attached by ClinVar (database versions not stated): gnomAD exomes below 0.00001; ExAC 0.00001.
gnomAD v4.1: 2 of 1,612,932 alleles (0.00012%); no homozygotes.

Submission:

Ambry Genetics
Classification: Likely pathogenic for Hereditary cancer-predisposing syndrome. Last evaluated: 2020-03-16. Review status: criteria provided, single submitter. Criteria: Ambry Variant Classification Scheme 2023. Collection method: clinical testing. Allele origin: germline.
Comment: The c.241+1G>T intronic variant results from a G to T substitution one nucleotide after coding exon 4 of the SDHC gene. Based on internal structural analysis, I76_G81del deletes six residues in SDHC, including a portion of the proximal heme binding site (Ambry internat data; Sun F et al. Cell, 2005 Jul;121:1043-57; Zhou Q et al. Protein Cell, 2011 Jul;2:531-42). This nucleotide position is highly conserved in available vertebrate species. Using the BDGP and ESEfinder splice site prediction tools, this alteration is predicted to abolish the native splice donor site; however, direct evidence is unavailable. Alterations that disrupt the canonical splice site are expected to cause aberrant splicing, resulting in an abnormal protein or a transcript that is subject to nonsense-mediated mRNA decay. As such, this alteration is classified as likely pathogenic.

Literature cited by the submitters: PubMed 15989954; PubMed 21822798.